The following is an entry in ClinVar:

NM_002049.4(GATA1):c.1019G>A (p.Gly340Asp)

Gene: GATA1 (GATA binding protein 1; plus strand). Cytogenetic location: Xp11.23.
Variant type: single nucleotide variant.
Coding change: c.1019G>A on transcript NM_002049.4 (MANE Select); coding-DNA position 1019, G replaced by A.
Protein change: p.Gly340Asp; replaces glycine 340 with aspartic acid.
Molecular consequence: missense variant.
Genome position (GRCh38, 1-based): chrX:48,793,941, G>A. VCF-style: chrX-48793941-G-A. GRCh37 (hg19) VCF-style: chrX-48652348-G-A.
Other names: short protein forms G340D.
Identifiers: ClinVar variation 2933287 (VCV002933287.3), dbSNP rs1277612196, ClinGen allele CA412871775.

ClinVar aggregate classification (germline): Uncertain significance (1 of 4 stars; one submission).

Conditions:
Diamond-Blackfan anemia. Also called: Blackfan Diamond syndrome; Aregenerative anemia chronic congenital; Red cell aplasia, pure hereditary; Congenital hypoplastic anemia; Aase syndrome. Identifiers: Orphanet 124, MedGen C1260899, MeSH D029503, MONDO:0015253, HP:0004810.
GATA binding protein 1 related thrombocytopenia with dyserythropoiesis. Also called: GATA1-Related Cytopenia; GATA1-Related X-Linked Cytopenia. Identifiers: MedGen C1845837, MONDO:0100089.

Allele frequency attached by ClinVar (database versions not stated): gnomAD exomes 0.00001; TOPMed 0.00003; gnomAD 0.00005.
gnomAD v4.1: 13 of 1,202,219 alleles (0.0011%); highest among the groups gnomAD compares: African/African-American, 0.012%; no homozygotes.

Submission:

Labcorp Genetics (formerly Invitae), Labcorp
Classification: Uncertain significance for GATA binding protein 1 related thrombocytopenia with dyserythropoiesis; Diamond-Blackfan anemia. Last evaluated: 2025-07-28. Review status: criteria provided, single submitter. Criteria: Invitae Variant Classification Sherloc (09022015). Collection method: clinical testing. Allele origin: germline.
Comment: This sequence change replaces glycine, which is neutral and non-polar, with aspartic acid, which is acidic and polar, at codon 340 of the GATA1 protein (p.Gly340Asp). The frequency data for this variant in the population databases is considered unreliable, as metrics indicate poor data quality at this position in the gnomAD database. This variant has not been reported in the literature in individuals affected with GATA1-related conditions. ClinVar contains an entry for this variant (Variation ID: 2933287). Invitae Evidence Modeling of protein sequence and biophysical properties (such as structural, functional, and spatial information, amino acid conservation, physicochemical variation, residue mobility, and thermodynamic stability) indicates that this missense variant is not expected to disrupt GATA1 protein function with a negative predictive value of 95%. In summary, the available evidence is currently insufficient to determine the role of this variant in disease. Therefore, it has been classified as a Variant of Uncertain Significance.